The following is an entry in ClinVar:

NM_006231.4(POLE):c.2505C>T (p.Val835=)

Gene: POLE (DNA polymerase epsilon, catalytic subunit; minus strand). Cytogenetic location: 12q24.33.
Variant type: single nucleotide variant.
Coding change: c.2505C>T on transcript NM_006231.4 (MANE Select); coding-DNA position 2505, C replaced by T.
Protein change: p.Val835=; no amino-acid change (valine 835 retained).
Molecular consequence: synonymous variant.
Genome position (GRCh38, 1-based): chr12:132,664,426, G>A on the plus strand (C>T on the coding strand, the complement: POLE is on the minus strand). VCF-style: chr12-132664426-G-A. GRCh37 (hg19) VCF-style: chr12-133241012-G-A.
Other names: c.2505C>T (NM_006231.2).
Identifiers: ClinVar variation 2829771 (VCV002829771.4), dbSNP rs878854852, ClinGen allele CA482738278.
Genomic context (GRCh38, chr12:132,664,426, plus strand): 5'-TCACCCAATCTGCTCGATCAGCTCCCGTGCCTGGGTGATGATGTTGGCCCCTGTGAAGCA[G>A]ACGATGCCAGCCATCTCCATGGAGTACCAGCGAGCCCTGAGAGGACACCACAAACTGGTG-3'
Protein context (NP_006222.2, residues 825-845): RWYSMEMAGI[Val835=]CFTGANIITQ

ClinVar aggregate classification (germline): Uncertain significance. Review status: criteria provided, multiple submitters, no conflicts (2 of 4 stars). 2 submissions from 2 submitters: Uncertain significance (2). Last evaluated 2025-05-03.

Conditions:
Hereditary cancer-predisposing syndrome. Also called: Neoplastic Syndromes, Hereditary; Tumor predisposition; Hereditary Cancer Syndrome; Hereditary neoplastic syndrome. Identifiers: Orphanet 140162, MedGen C0027672, MeSH D009386, MONDO:0015356.

Submissions (2):

Ambry Genetics
Classification: Uncertain significance for Hereditary cancer-predisposing syndrome. Last evaluated: 2025-05-03. Review status: criteria provided, single submitter. Criteria: Ambry Variant Classification Scheme 2023. Collection method: clinical testing. Allele origin: germline.
Comment: The c.2505C>T variant (also known as p.V835V), located in coding exon 22 of the POLE gene, results from a C to T substitution at nucleotide position 2505. This nucleotide substitution does not change the amino acid at codon 835. This nucleotide position is not well conserved in available vertebrate species. In silico splice site analysis predicts that this alteration may result in the creation or strengthening of a novel splice acceptor site. Based on the available evidence, the clinical significance of this variant remains unclear.

Labcorp Genetics (formerly Invitae), Labcorp
Classification: Uncertain significance. Last evaluated: 2024-09-26. Review status: criteria provided, single submitter. Criteria: Invitae Variant Classification Sherloc (09022015). Collection method: clinical testing. Allele origin: germline.
Comment: This sequence change affects codon 835 of the POLE mRNA. It is a 'silent' change, meaning that it does not change the encoded amino acid sequence of the POLE protein. This variant is not present in population databases (gnomAD no frequency). This variant has not been reported in the literature in individuals affected with POLE-related conditions. Algorithms developed to predict the effect of sequence changes on RNA splicing suggest that this variant may create or strengthen a splice site. In summary, the available evidence is currently insufficient to determine the role of this variant in disease. Therefore, it has been classified as a Variant of Uncertain Significance.